The following is an entry in ClinVar:

ClinVar aggregate classification (germline): Uncertain significance (1 of 4 stars; one submission).

Conditions:
Hereditary cancer-predisposing syndrome. Also called: Neoplastic Syndromes, Hereditary; Tumor predisposition; Hereditary neoplastic syndrome; Hereditary Cancer Syndrome. Identifiers: Orphanet 140162, MedGen C0027672, MeSH D009386, MONDO:0015356.

Submission:

Ambry Genetics
Classification: Uncertain significance for Hereditary cancer-predisposing syndrome. Last evaluated: 2024-06-24. Review status: criteria provided, single submitter. Criteria: Ambry Variant Classification Scheme 2023. Collection method: clinical testing. Allele origin: germline.
Comment: The p.L607R variant (also known as c.1820T>G), located in coding exon 17 of the POLE gene, results from a T to G substitution at nucleotide position 1820. The leucine at codon 607 is replaced by arginine, an amino acid with dissimilar properties. This amino acid position is conserved. In addition, this alteration is predicted to be deleterious by in silico analysis. Based on the available evidence, the clinical significance of this variant remains unclear.

NM_006231.4(POLE):c.1820T>G (p.Leu607Arg)

Gene: POLE (DNA polymerase epsilon, catalytic subunit; minus strand). Cytogenetic location: 12q24.33.
Variant type: single nucleotide variant.
Coding change: c.1820T>G on transcript NM_006231.4 (MANE Select); coding-DNA position 1820, T replaced by G.
Protein change: p.Leu607Arg; replaces leucine 607 with arginine.
Molecular consequence: missense variant.
Genome position (GRCh38, 1-based): chr12:132,668,914, A>C on the plus strand (T>G on the coding strand, the complement: POLE is on the minus strand). VCF-style: chr12-132668914-A-C. GRCh37 (hg19) VCF-style: chr12-133245500-A-C.
Other names: short protein forms L607R.
Identifiers: ClinVar variation 3308448 (VCV003308448.1).